The following is an entry in ClinVar:

NM_016824.5(ADD3):c.1001A>G (p.His334Arg)

Gene: ADD3 (adducin 3; plus strand). Cytogenetic location: 10q25.2.
Variant type: single nucleotide variant.
Coding change: c.1001A>G on transcript NM_016824.5 (MANE Select); coding-DNA position 1001, A replaced by G.
Protein change: p.His334Arg; replaces histidine 334 with arginine.
Molecular consequence: missense variant.
Genome position (GRCh38, 1-based): chr10:110,122,150, A>G. VCF-style: chr10-110122150-A-G. GRCh37 (hg19) VCF-style: chr10-111881908-A-G.
Other names: c.1001A>G, p.His334Arg (NM_001121.4, NM_001320591.2, NM_001320592.2 and 2 more transcripts); c.767A>G, p.His256Arg (NM_001320594.2); short protein forms H334R, H256R.
Identifiers: ClinVar variation 1478583 (VCV001478583.8), dbSNP rs1396902347, ClinGen allele CA378369511.

ClinVar aggregate classification (germline): Uncertain significance (1 of 4 stars; one submission).

Allele frequency attached by ClinVar (database versions not stated): gnomAD exomes below 0.00001; TOPMed 0.00001; gnomAD 0.00002.
gnomAD v4.1: 5 of 1,614,028 alleles (0.00031%); highest among the groups gnomAD compares: African/African-American, 0.0053%; no homozygotes.

Submission:

Labcorp Genetics (formerly Invitae), Labcorp
Classification: Uncertain significance. Last evaluated: 2022-07-06. Review status: criteria provided, single submitter. Criteria: Invitae Variant Classification Sherloc (09022015). Collection method: clinical testing. Allele origin: germline.
Comment: In summary, the available evidence is currently insufficient to determine the role of this variant in disease. Therefore, it has been classified as a Variant of Uncertain Significance. Algorithms developed to predict the effect of missense changes on protein structure and function are either unavailable or do not agree on the potential impact of this missense change (SIFT: "Not Available"; PolyPhen-2: "Benign"; Align-GVGD: "Not Available"). ClinVar contains an entry for this variant (Variation ID: 1478583). This variant has not been reported in the literature in individuals affected with ADD3-related conditions. This variant is present in population databases (no rsID available, gnomAD 0.01%). This sequence change replaces histidine, which is basic and polar, with arginine, which is basic and polar, at codon 334 of the ADD3 protein (p.His334Arg).